The following is an entry in ClinVar:

NM_020693.4(DSCAML1):c.470G>A (p.Ser157Asn)

Gene: DSCAML1 (DS cell adhesion molecule like 1; minus strand). Cytogenetic location: 11q23.3.
Variant type: single nucleotide variant.
Coding change: c.470G>A on transcript NM_020693.4 (MANE Select); coding-DNA position 470, G replaced by A.
Protein change: p.Ser157Asn; replaces serine 157 with asparagine.
Molecular consequence: missense variant.
Genome position (GRCh38, 1-based): chr11:117,776,832, C>T on the plus strand (G>A on the coding strand, the complement: DSCAML1 is on the minus strand). VCF-style: chr11-117776832-C-T. GRCh37 (hg19) VCF-style: chr11-117647547-C-T.
Other names: c.62G>A, p.Ser21Asn (NM_001367905.1); c.470G>A, p.Ser157Asn (NM_001367904.1); short protein forms S157N, S21N.
Identifiers: ClinVar variation 4760548 (VCV004760548.1).

ClinVar aggregate classification (germline): Uncertain significance (1 of 4 stars; one submission).

Submission:

Labcorp Genetics (formerly Invitae), Labcorp
Classification: Uncertain significance. Last evaluated: 2025-03-24. Review status: criteria provided, single submitter. Criteria: Invitae Variant Classification Sherloc (09022015). Collection method: clinical testing. Allele origin: germline.
Comment: This sequence change replaces serine, which is neutral and polar, with asparagine, which is neutral and polar, at codon 217 of the DSCAML1 protein (p.Ser217Asn). This variant is not present in population databases (gnomAD no frequency). This variant has not been reported in the literature in individuals affected with DSCAML1-related conditions. An algorithm developed to predict the effect of missense changes on protein structure and function (PolyPhen-2) suggests that this variant is likely to be disruptive. In summary, the available evidence is currently insufficient to determine the role of this variant in disease. Therefore, it has been classified as a Variant of Uncertain Significance.